The following is an entry in ClinVar:

NM_001037343.2(CDKL5):c.3034del (p.Gln1012fs)

Genes: CDKL5 (cyclin dependent kinase like 5; plus strand), RS1 (retinoschisin 1; minus strand). Cytogenetic location: Xp22.13.
Variant type: Deletion.
Coding change: c.3034del on transcript NM_001037343.2; coding-DNA position 3034, one base deleted (C; older notation c.3034delC).
Protein change: p.Gln1012fs; shifts the reading frame from glutamine 1012.
Molecular consequence: frameshift variant. On other transcripts: intron variant (1).
Genome position (GRCh38, 1-based): chrX:18,653,485, C deleted; the last of 3 consecutive C bases (chrX:18,653,483-18,653,485); deleting any one gives the same sequence. VCF-style (leftmost placement, unchanged base first): chrX-18653482-GC-G. GRCh37 (hg19) VCF-style: chrX-18671602-GC-G.
Other names: c.3034del, p.Gln1012fs (NM_003159.3); c.184+3170del (NM_000330.4); short protein forms Q1012fs.
Identifiers: ClinVar variation 3764575 (VCV003764575.1).

ClinVar aggregate classification (germline): Pathogenic (1 of 4 stars; one submission).

Conditions:
Developmental and epileptic encephalopathy, 2 (DEE2). Also called: CDKL5 deficiency disorder; INFANTILE SPASM SYNDROME, X-LINKED 2. Identifiers: Orphanet 1934, Orphanet 3451, Orphanet 505652, MedGen C4750718, MONDO:0010396, OMIM 300672.

Submission:

Daryl Scott Lab, Baylor College of Medicine
Classification: Pathogenic for Developmental and epileptic encephalopathy, 2. Last evaluated: 2024-01-01. Review status: criteria provided, single submitter. Criteria: ACMG Guidelines, 2015. Collection method: clinical testing. Allele origin: unknown. Affected: yes. Observed: 1 hemizygote.
Comment: PVS1, PM2